The following is an entry in ClinVar:

NM_003803.4(MYOM1):c.1927G>C (p.Asp643His)

Gene: MYOM1 (myomesin 1; minus strand). Cytogenetic location: 18p11.31.
Variant type: single nucleotide variant.
Coding change: c.1927G>C on transcript NM_003803.4 (MANE Select); coding-DNA position 1927, G replaced by C.
Protein change: p.Asp643His; replaces aspartic acid 643 with histidine.
Molecular consequence: missense variant.
Genome position (GRCh38, 1-based): chr18:3,142,037, C>G on the plus strand (G>C on the coding strand, the complement: MYOM1 is on the minus strand). VCF-style: chr18-3142037-C-G. GRCh37 (hg19) VCF-style: chr18-3142035-C-G.
Other names: c.1927G>C, p.Asp643His (NM_019856.2); short protein forms D643H.
Identifiers: ClinVar variation 3916561 (VCV003916561.1).

ClinVar aggregate classification (germline): Uncertain significance (1 of 4 stars; one submission).

gnomAD v4.1: 2 of 1,613,770 alleles (0.00012%); highest among the groups gnomAD compares: African/African-American, 0.0027%; no homozygotes.

Submission:

Ambry Genetics
Classification: Uncertain significance. Last evaluated: 2025-05-27. Review status: criteria provided, single submitter. Criteria: Ambry Variant Classification Scheme 2023. Collection method: clinical testing. Allele origin: germline.
Comment: The p.D643H variant (also known as c.1927G>C), located in coding exon 13 of the MYOM1 gene, results from a G to C substitution at nucleotide position 1927. The aspartic acid at codon 643 is replaced by histidine, an amino acid with similar properties. This amino acid position is conserved. In addition, this alteration is predicted to be tolerated by in silico analysis. Based on the available evidence, the clinical significance of this variant remains unclear.